The following is an entry in ClinVar:

ClinVar aggregate classification (germline): Uncertain significance (1 of 4 stars; one submission).

Conditions:
Joubert syndrome. Also called: CEREBELLOPARENCHYMAL DISORDER IV; JOUBERT-BOLTSHAUSER SYNDROME; Familial aplasia of the vermis. Identifiers: Orphanet 475, MedGen C5979921, MONDO:0018772.
Nephronophthisis. Also called: Juvenile Nephronophthisis. Identifiers: Orphanet 655, MedGen C0687120, MONDO:0019005, HP:0000090.
Meckel-Gruber syndrome. Also called: DYSENCEPHALIA SPLANCHNOCYSTICA; GRUBER SYNDROME; Dysencephalia splachnocystica. Identifiers: Orphanet 564, MedGen C0265215, MONDO:0018921.

Submission:

Labcorp Genetics (formerly Invitae), Labcorp
Classification: Uncertain significance for Joubert syndrome; Meckel-Gruber syndrome; Nephronophthisis. Last evaluated: 2021-04-23. Review status: criteria provided, single submitter. Criteria: Invitae Variant Classification Sherloc (09022015). Collection method: clinical testing. Allele origin: germline.
Comment: In summary, the available evidence is currently insufficient to determine the role of this variant in disease. Therefore, it has been classified as a Variant of Uncertain Significance. Algorithms developed to predict the effect of sequence changes on RNA splicing suggest that this variant may disrupt the consensus splice site, but this prediction has not been confirmed by published transcriptional studies. This variant has not been reported in the literature in individuals with CEP290-related conditions. This variant is not present in population databases (ExAC no frequency). This sequence change affects codon 570 of the CEP290 mRNA. It is a 'silent' change, meaning that it does not change the encoded amino acid sequence of the CEP290 protein. It affects a nucleotide within the consensus splice site of the intron.

NM_025114.4(CEP290):c.1710A>C (p.Ser570=)

Gene: CEP290 (centrosomal protein 290; minus strand). Cytogenetic location: 12q21.32.
Variant type: single nucleotide variant.
Coding change: c.1710A>C on transcript NM_025114.4 (MANE Select); coding-DNA position 1710, A replaced by C.
Protein change: p.Ser570=; no amino-acid change (serine 570 retained).
Molecular consequence: synonymous variant.
Genome position (GRCh38, 1-based): chr12:88,118,484, T>G on the plus strand (A>C on the coding strand, the complement: CEP290 is on the minus strand). VCF-style: chr12-88118484-T-G. GRCh37 (hg19) VCF-style: chr12-88512261-T-G.
Identifiers: ClinVar variation 1348069 (VCV001348069.8), dbSNP rs2137866803, ClinGen allele CA481051182.